The following is an entry in ClinVar:

NM_000321.3(RB1):c.1280A>C (p.Lys427Thr)

Gene: RB1 (RB transcriptional corepressor 1; plus strand). Cytogenetic location: 13q14.2.
Variant type: single nucleotide variant.
Coding change: c.1280A>C on transcript NM_000321.3 (MANE Select); coding-DNA position 1280, A replaced by C.
Protein change: p.Lys427Thr; replaces lysine 427 with threonine.
Molecular consequence: missense variant.
Genome position (GRCh38, 1-based): chr13:48,376,982, A>C. VCF-style: chr13-48376982-A-C. GRCh37 (hg19) VCF-style: chr13-48951118-A-C.
Other names: c.1280A>C, p.Lys427Thr (NM_001407165.1, NM_001407166.1); short protein forms K427T.
Identifiers: ClinVar variation 4780058 (VCV004780058.1).
Genomic context (GRCh38, chr13:48,376,982, plus strand): 5'-GCACAGTGAATCCAAAAGAAAGTATACTGAAAAGAGTGAAGGATATAGGATACATCTTTA[A>C]AGAGAAATTTGCTAAAGCTGTGGGACAGGGTTGTGTCGAAATTGGATCACAGGTAACTTG-3'
Protein context (NP_000312.2, residues 417-437): KRVKDIGYIF[Lys427Thr]EKFAKAVGQG

ClinVar aggregate classification (germline): Uncertain significance (1 of 4 stars; one submission).

Conditions:
Retinoblastoma (RB1). Also called: RETINOBLASTOMA, SOMATIC. Identifiers: Orphanet 790, MedGen C0035335, MeSH D012175, MONDO:0008380, OMIM 180200, HP:0009919. Disease mechanism: loss of function. Inheritance: Both sporadic and heritable forms are tested..

gnomAD v4.1: 1 of 1,613,868 alleles (0.000062%); highest among the groups gnomAD compares: East Asian, 0.0022%; no homozygotes.

Submission:

Labcorp Genetics (formerly Invitae), Labcorp
Classification: Uncertain significance for Retinoblastoma. Last evaluated: 2025-10-31. Review status: criteria provided, single submitter. Criteria: Invitae Variant Classification Sherloc (09022015). Collection method: clinical testing. Allele origin: germline.
Comment: This sequence change replaces lysine, which is basic and polar, with threonine, which is neutral and polar, at codon 427 of the RB1 protein (p.Lys427Thr). This variant is present in population databases (rs778296403, gnomAD 0.01%). This variant has not been reported in the literature in individuals affected with RB1-related conditions. Invitae Evidence Modeling of protein sequence and biophysical properties (such as structural, functional, and spatial information, amino acid conservation, physicochemical variation, residue mobility, and thermodynamic stability) indicates that this missense variant is not expected to disrupt RB1 protein function with a negative predictive value of 80%. In summary, the available evidence is currently insufficient to determine the role of this variant in disease. Therefore, it has been classified as a Variant of Uncertain Significance.